The following is an entry in ClinVar:

NM_003803.4(MYOM1):c.3670A>G (p.Ile1224Val)

Gene: MYOM1 (myomesin 1; minus strand). Cytogenetic location: 18p11.31.
Variant type: single nucleotide variant.
Coding change: c.3670A>G on transcript NM_003803.4 (MANE Select); coding-DNA position 3670, A replaced by G.
Protein change: p.Ile1224Val; replaces isoleucine 1224 with valine.
Molecular consequence: missense variant.
Genome position (GRCh38, 1-based): chr18:3,100,332, T>C on the plus strand (A>G on the coding strand, the complement: MYOM1 is on the minus strand). VCF-style: chr18-3100332-T-C. GRCh37 (hg19) VCF-style: chr18-3100330-T-C.
Other names: c.3382A>G, p.Ile1128Val (NM_019856.2); short protein forms I1128V, I1224V.
Identifiers: ClinVar variation 939322 (VCV000939322.7), dbSNP rs779638228, ClinGen allele CA8874222.

ClinVar aggregate classification (germline): Uncertain significance (1 of 4 stars; one submission).

Conditions:
Hypertrophic cardiomyopathy. Also called: HYPERTROPHIC MYOCARDIOPATHY. Identifiers: Orphanet 217569, MedGen C0007194, MeSH D002312, MONDO:0005045, HP:0001639.

Allele frequency attached by ClinVar (database versions not stated): ExAC 0.00001; gnomAD 0.00001; TOPMed 0.00001; gnomAD exomes 0.00002.
gnomAD v4.1: 24 of 1,613,714 alleles (0.0015%); highest among the groups gnomAD compares: East Asian, 0.0022%; no homozygotes.

Submission:

Labcorp Genetics (formerly Invitae), Labcorp
Classification: Uncertain significance for Hypertrophic cardiomyopathy. Last evaluated: 2024-03-05. Review status: criteria provided, single submitter. Criteria: Invitae Variant Classification Sherloc (09022015). Collection method: clinical testing. Allele origin: germline.
Comment: This sequence change replaces isoleucine, which is neutral and non-polar, with valine, which is neutral and non-polar, at codon 1224 of the MYOM1 protein (p.Ile1224Val). This variant is present in population databases (rs779638228, gnomAD 0.006%). This variant has not been reported in the literature in individuals affected with MYOM1-related conditions. ClinVar contains an entry for this variant (Variation ID: 939322). Advanced modeling of protein sequence and biophysical properties (such as structural, functional, and spatial information, amino acid conservation, physicochemical variation, residue mobility, and thermodynamic stability) performed at Invitae indicates that this missense variant is not expected to disrupt MYOM1 protein function with a negative predictive value of 80%. In summary, the available evidence is currently insufficient to determine the role of this variant in disease. Therefore, it has been classified as a Variant of Uncertain Significance.